The following is an entry in ClinVar:

NM_001393769.1(MED12L):c.1871GAG[1] (p.Gly625del)

Gene: MED12L (mediator complex subunit 12L; plus strand). Cytogenetic location: 3q25.1.
Variant type: Microsatellite.
Coding change: c.1871GAG[1] on transcript NM_001393769.1 (MANE Select); one copy of the 3-base unit GAG starting at c.1871; the reference has two copies in a row; one copy, 3 bases deleted.
Protein change: p.Gly625del; deletes glycine 625.
Genome position (GRCh38, 1-based): chr3:151,190,837-151,190,839, GAG deleted; deleting any 3 consecutive bases within chr3:151,190,834-151,190,839 gives the same sequence; the position shown is the placement nearest the transcript's 3' end. VCF-style (leftmost placement, unchanged base first): chr3-151190833-CGAG-C. GRCh37 (hg19) VCF-style: chr3-150908620-CGAG-C.
Other names: c.1871GAG[1], p.Gly625del (NM_053002.6); short protein forms G625del.
Identifiers: ClinVar variation 3030070 (VCV003030070.2), dbSNP rs2531038489, ClinGen allele CA2740091034.

ClinVar aggregate classification (germline): Uncertain significance (0 of 4 stars; one submission).

Conditions:
MED12L-related disorder. Also called: MED12L-related condition.

Submission:

PreventionGenetics, part of Exact Sciences
Classification: Uncertain significance for MED12L-related condition. Last evaluated: 2023-12-22. Review status: no assertion criteria provided. Collection method: clinical testing. Allele origin: germline.
Comment: The MED12L c.1874_1876delGAG variant is predicted to result in an in-frame deletion (p.Gly625del). To our knowledge, this variant has not been reported in the literature or in a large population database, indicating this variant is rare. At this time, the clinical significance of this variant is uncertain due to the absence of conclusive functional and genetic evidence.